The following is an entry in ClinVar:

ClinVar aggregate classification (germline): Uncertain significance (1 of 4 stars; one submission).

gnomAD v4.1: 2 of 1,612,846 alleles (0.00012%); highest among the groups gnomAD compares: African/African-American, 0.0027%; no homozygotes.

Submission:

Labcorp Genetics (formerly Invitae), Labcorp
Classification: Uncertain significance. Last evaluated: 2025-11-25. Review status: criteria provided, single submitter. Criteria: Invitae Variant Classification Sherloc (09022015). Collection method: clinical testing. Allele origin: germline.
Comment: This sequence change replaces proline, which is neutral and non-polar, with glutamine, which is neutral and polar, at codon 836 of the RP1 protein (p.Pro836Gln). This variant is not present in population databases (gnomAD no frequency). This variant has not been reported in the literature in individuals affected with RP1-related conditions. ClinVar contains an entry for this variant (Variation ID: 1056534). An algorithm developed to predict the effect of missense changes on protein structure and function outputs the following: PolyPhen-2: "Benign". The glutamine amino acid residue is found in multiple mammalian species, which suggests that this missense change does not adversely affect protein function. In summary, the available evidence is currently insufficient to determine the role of this variant in disease. Therefore, it has been classified as a Variant of Uncertain Significance.

NM_006269.2(RP1):c.2507C>A (p.Pro836Gln)

Gene: RP1 (RP1 axonemal microtubule associated; plus strand). Cytogenetic location: 8q12.1.
Variant type: single nucleotide variant.
Coding change: c.2507C>A on transcript NM_006269.2 (MANE Select); coding-DNA position 2507, C replaced by A.
Protein change: p.Pro836Gln; replaces proline 836 with glutamine.
Molecular consequence: missense variant. On other transcripts: intron variant (1).
Genome position (GRCh38, 1-based): chr8:54,626,389, C>A. VCF-style: chr8-54626389-C-A. GRCh37 (hg19) VCF-style: chr8-55538949-C-A.
Other names: c.787+4101C>A (NM_001375654.1); short protein forms P836Q.
Identifiers: ClinVar variation 1056534 (VCV001056534.10), dbSNP rs755745244, ClinGen allele CA370993999.